The following is an entry in ClinVar:

NM_001127222.2(CACNA1A):c.2729T>G (p.Leu910Arg)

Gene: CACNA1A (calcium voltage-gated channel subunit alpha1 A; minus strand). Cytogenetic location: 19p13.13.
Variant type: single nucleotide variant.
Coding change: c.2729T>G on transcript NM_001127222.2 (MANE Select); coding-DNA position 2729, T replaced by G.
Protein change: p.Leu910Arg; replaces leucine 910 with arginine.
Molecular consequence: missense variant.
Genome position (GRCh38, 1-based): chr19:13,298,904, A>C on the plus strand (T>G on the coding strand, the complement: CACNA1A is on the minus strand). VCF-style: chr19-13298904-A-C. GRCh37 (hg19) VCF-style: chr19-13409718-A-C.
Other names: c.2741T>G, p.Leu914Arg (NM_000068.4, NM_023035.3); c.2732T>G, p.Leu911Arg (NM_001127221.2, NM_001174080.2); c.2732T>G (NM_000068.2); short protein forms L911R, L910R, L914R.
Identifiers: ClinVar variation 432090 (VCV000432090.12), dbSNP rs953766694, ClinGen allele CA305506421.

ClinVar aggregate classification (germline): Conflicting classifications of pathogenicity. Review status: criteria provided, conflicting classifications (1 of 4 stars). 4 submissions from 4 submitters: Uncertain significance (3); Likely benign (1). Last evaluated 2026-01-05.

Conditions:
Inborn genetic diseases. Identifiers: MedGen C0950123, MeSH D030342.
Episodic ataxia type 2 (EA2). Also called: ATAXIA, EPISODIC, WITH NYSTAGMUS; ATAXIA, FAMILIAL PAROXYSMAL; ACETAZOLAMIDE-RESPONSIVE HEREDITARY PAROXYSMAL CEREBELLAR ATAXIA; EPISODIC ATAXIA, NYSTAGMUS-ASSOCIATED; CEREBELLAR ATAXIA, PAROXYSMAL, ACETAZOLAMIDE-RESPONSIVE; CEREBELLOPATHY, HEREDITARY PAROXYSMAL. Identifiers: Orphanet 97, MedGen C1720416, MONDO:0007163, OMIM 108500.
Developmental and epileptic encephalopathy, 42 (DEE42A). Also called: DEVELOPMENTAL AND EPILEPTIC ENCEPHALOPATHY 42A; EPILEPTIC ENCEPHALOPATHY, EARLY INFANTILE, 42A; Epileptic encephalopathy, early infantile, 42. Identifiers: MedGen C4310716, MONDO:0014917, OMIM 617106.

Allele frequency attached by ClinVar (database versions not stated): gnomAD exomes 0.00002; 1000 Genomes Project 30x 0.00016.
gnomAD v4.1: 8 of 1,594,850 alleles (0.0005%); highest among the groups gnomAD compares: Admixed American, 0.01%; no homozygotes.

Submissions (4):

Labcorp Genetics (formerly Invitae), Labcorp
Classification: Likely benign for Developmental and epileptic encephalopathy, 42; Episodic ataxia type 2. Last evaluated: 2026-01-05. Review status: criteria provided, single submitter. Criteria: Invitae Variant Classification Sherloc (09022015). Collection method: clinical testing. Allele origin: germline.

Ambry Genetics
Classification: Uncertain significance for Inborn genetic diseases. Last evaluated: 2025-01-16. Review status: criteria provided, single submitter. Criteria: Ambry Variant Classification Scheme 2023. Collection method: clinical testing. Allele origin: germline.

Athena Diagnostics
Classification: Uncertain significance. Last evaluated: 2023-01-16. Review status: criteria provided, single submitter. Criteria: Athena Diagnostics Criteria. Collection method: clinical testing. Allele origin: unknown.
Comment: Available data are insufficient to determine the clinical significance of the variant at this time. The frequency of this variant in the general population is uninformative in assessment of its pathogenicity. This variant has been seen where an alternate explanation for disease was also identified, suggesting this variant may not cause disease. Computational tools predict that this variant is not damaging.

GeneDx
Classification: Uncertain significance. Last evaluated: 2017-06-02. Review status: criteria provided, single submitter. Criteria: GeneDx Variant Classification (06012015). Collection method: clinical testing. Allele origin: germline. Affected: yes.
Comment: The L911R variant in the CACNA1A gene has not been reported previously as a pathogenic variant, nor as a benign variant, to our knowledge. The L911R variant is not observed in large population cohorts (Lek et al., 2016; 1000 Genomes Consortium et al., 2015; Exome Variant Server). The L911R variant is a non-conservative amino acid substitution, which is likely to impact secondary protein structure as these residues differ in polarity, charge, size and/or other properties. However, this substitution occurs at a position that is not conserved, and in silico analysis predicts this variant likely does not alter the protein structure/function. We interpret L911R as a variant of uncertain significance.